The following is an entry in ClinVar:

ClinVar aggregate classification (germline): Uncertain significance (1 of 4 stars; one submission).

Conditions:
Anauxetic dysplasia. Identifiers: Orphanet 93347, MedGen C1846796, MONDO:0011773.

Allele frequency attached by ClinVar (database versions not stated): gnomAD exomes 0.00001.
gnomAD v4.1: 11 of 696,496 alleles (0.0016%); highest among the groups gnomAD compares: Admixed American, 0.004%; no homozygotes.

Submission:

Labcorp Genetics (formerly Invitae), Labcorp
Classification: Uncertain significance for Anauxetic dysplasia. Last evaluated: 2021-04-27. Review status: criteria provided, single submitter. Criteria: Invitae Variant Classification Sherloc (09022015). Collection method: clinical testing. Allele origin: germline.
Comment: This variant occurs in the RMRP gene, which encodes an RNA molecule that does not result in a protein product. The frequency data for this variant in the population databases is considered unreliable, as metrics indicate insufficient coverage at this position in the ExAC database. This variant has not been reported in the literature in individuals with RMRP-related conditions. Experimental studies and prediction algorithms are not available or were not evaluated, and the functional significance of this variant is currently unknown. In summary, the available evidence is currently insufficient to determine the role of this variant in disease. Therefore, it has been classified as a Variant of Uncertain Significance.

NC_000009.12:g.35657775G>C

Gene: RMRP (RNA component of mitochondrial RNA processing endoribonuclease; minus strand). Cytogenetic location: 9p13.3.
Variant type: single nucleotide variant.
Genome position: GRCh38 VCF-style: chr9-35657775-G-C. GRCh37 (hg19) VCF-style: chr9-35657772-G-C.
Identifiers: ClinVar variation 1386834 (VCV001386834.3), dbSNP rs1260135124, ClinGen allele CA464450277.